The following is an entry in ClinVar:

NM_024928.5(STN1):c.28G>C (p.Glu10Gln)

Gene: STN1 (STN1 subunit of CST complex; minus strand). Cytogenetic location: 10q24.33.
Variant type: single nucleotide variant.
Coding change: c.28G>C on transcript NM_024928.5 (MANE Select); coding-DNA position 28, G replaced by C.
Protein change: p.Glu10Gln; replaces glutamic acid 10 with glutamine.
Molecular consequence: missense variant.
Genome position (GRCh38, 1-based): chr10:103,917,567, C>G on the plus strand (G>C on the coding strand, the complement: STN1 is on the minus strand). VCF-style: chr10-103917567-C-G. GRCh37 (hg19) VCF-style: chr10-105677325-C-G.
Other names: short protein forms E10Q.
Identifiers: ClinVar variation 1492220 (VCV001492220.4), dbSNP rs762486579, ClinGen allele CA5676751.

ClinVar aggregate classification (germline): Uncertain significance (1 of 4 stars; one submission).

Allele frequency attached by ClinVar (database versions not stated): ExAC 0.00001; gnomAD exomes 0.00001 and 0.00002.
gnomAD v4.1: 27 of 1,614,188 alleles (0.0017%); highest among the groups gnomAD compares: Non-Finnish European, 0.0023%; no homozygotes.

Submission:

Labcorp Genetics (formerly Invitae), Labcorp
Classification: Uncertain significance. Last evaluated: 2021-12-03. Review status: criteria provided, single submitter. Criteria: Invitae Variant Classification Sherloc (09022015). Collection method: clinical testing. Allele origin: germline.
Comment: In summary, the available evidence is currently insufficient to determine the role of this variant in disease. Therefore, it has been classified as a Variant of Uncertain Significance. Algorithms developed to predict the effect of missense changes on protein structure and function are either unavailable or do not agree on the potential impact of this missense change (SIFT: "Deleterious"; PolyPhen-2: "Possibly Damaging"; Align-GVGD: "Class C0"). This variant has not been reported in the literature in individuals affected with STN1-related conditions. This variant is present in population databases (rs762486579, gnomAD 0.002%). This sequence change replaces glutamic acid, which is acidic and polar, with glutamine, which is neutral and polar, at codon 10 of the STN1 protein (p.Glu10Gln).